The following is an entry in ClinVar:

ClinVar aggregate classification (germline): Uncertain significance. Review status: criteria provided, multiple submitters, no conflicts (2 of 4 stars). 2 submissions from 2 submitters: Uncertain significance (2). Last evaluated 2023-04-10.

Conditions:
Familial thoracic aortic aneurysm and aortic dissection (TAAD). Also called: Thoracic aortic aneurysms and dissections. Identifiers: Orphanet 91387, MedGen C4707243, MONDO:0019625.

Allele frequency attached by ClinVar (database versions not stated): gnomAD exomes below 0.00001.

Submissions (2):

All of Us Research Program, National Institutes of Health
Classification: Uncertain significance for Familial thoracic aortic aneurysm and aortic dissection. Last evaluated: 2023-04-10. Review status: criteria provided, single submitter. Criteria: ACMG Guidelines, 2015. Collection method: clinical testing. Allele origin: germline. Inheritance: Autosomal dominant inheritance. Observed: 1 variant allele, 1 heterozygote.
Comment: This missense variant replaces glutamine with proline at codon 51 of the ACTA2 protein. Computational prediction suggests that this variant may have deleterious impact on protein structure and function (internally defined REVEL score threshold >= 0.7, PMID: 27666373). To our knowledge, functional studies have not been reported for this variant. This variant has not been reported in individuals affected with ACTA2-related disorders in the literature. This variant has not been identified in the general population by the Genome Aggregation Database (gnomAD). The available evidence is insufficient to determine the role of this variant in disease conclusively. Therefore, this variant is classified as a Variant of Uncertain Significance.

This study involves interpretation of variants in research participants for the purpose of population health screening. Participant phenotype was not available at the time of variant classification. Additional details can be found in publication PMID: 35346344, PMCID: PMC8962531

Ambry Genetics
Classification: Uncertain significance for Familial thoracic aortic aneurysm and aortic dissection. Last evaluated: 2020-05-14. Review status: criteria provided, single submitter. Criteria: Ambry Variant Classification Scheme 2023. Collection method: clinical testing. Allele origin: germline.

NM_001613.4(ACTA2):c.152A>C (p.Gln51Pro)

Gene: ACTA2 (actin alpha 2, smooth muscle; minus strand). Cytogenetic location: 10q23.31.
Variant type: single nucleotide variant.
Coding change: c.152A>C on transcript NM_001613.4 (MANE Select); coding-DNA position 152, A replaced by C.
Protein change: p.Gln51Pro; replaces glutamine 51 with proline.
Molecular consequence: missense variant.
Genome position (GRCh38, 1-based): chr10:88,947,364, T>G on the plus strand (A>C on the coding strand, the complement: ACTA2 is on the minus strand). VCF-style: chr10-88947364-T-G. GRCh37 (hg19) VCF-style: chr10-90707121-T-G.
Other names: c.152A>C, p.Gln51Pro (NM_001141945.3, NM_001320855.2, NM_001406462.1 and 4 more transcripts); short protein forms Q51P.
Identifiers: ClinVar variation 1774578 (VCV001774578.3), dbSNP rs2133270145, ClinGen allele CA377513518.